The following is an entry in ClinVar:

NC_000017.11:g.(?_31181402)_(31182685_?)del

Gene: NF1 (neurofibromin 1; plus strand). Cytogenetic location: 17q11.2.
Variant type: Deletion.
Identifiers: ClinVar variation 832814 (VCV000832814.2).

ClinVar aggregate classification (germline): Pathogenic (1 of 4 stars; one submission).

Conditions:
Neurofibromatosis, type 1 (NF1). Also called: Peripheral type neurofibromatosis; Neurofibromatosis, type I; VON RECKLINGHAUSEN DISEASE; NEUROFIBROMATOSIS, TYPE I, SOMATIC. Identifiers: Orphanet 636, MedGen C0027831, MONDO:0018975, OMIM 162200. Disease mechanism: loss of function.

Submission:

Labcorp Genetics (formerly Invitae), Labcorp
Classification: Pathogenic for Neurofibromatosis, type 1. Last evaluated: 2022-06-13. Review status: criteria provided, single submitter. Criteria: Invitae Variant Classification Sherloc (09022015). Collection method: clinical testing. Allele origin: germline.
Comment: This variant is a gross deletion of the genomic region encompassing exon(s) 6-8 of the NF1 gene. This deletion is out-of-frame, and is expected to create a premature termination codon and result in an absent or disrupted protein product. Loss-of-function variants in NF1 are known to be pathogenic (PMID: 10712197, 23913538). A similar copy number variant has been observed in individual(s) with neurofibromatosis type 1 (PMID: 26189818). For these reasons, this variant has been classified as Pathogenic.

Literature cited by the submitters: PubMed 10712197; PubMed 23913538; PubMed 26189818.